The following is an entry in ClinVar:

NM_005477.3(HCN4):c.2962A>T (p.Thr988Ser)

Gene: HCN4 (hyperpolarization activated cyclic nucleotide gated potassium channel 4; minus strand). Cytogenetic location: 15q24.1.
Variant type: single nucleotide variant.
Coding change: c.2962A>T on transcript NM_005477.3 (MANE Select); coding-DNA position 2962, A replaced by T.
Protein change: p.Thr988Ser; replaces threonine 988 with serine.
Molecular consequence: missense variant.
Genome position (GRCh38, 1-based): chr15:73,323,131, T>A on the plus strand (A>T on the coding strand, the complement: HCN4 is on the minus strand). VCF-style: chr15-73323131-T-A. GRCh37 (hg19) VCF-style: chr15-73615472-T-A.
Other names: short protein forms T988S.
Identifiers: ClinVar variation 4707739 (VCV004707739.1).

ClinVar aggregate classification (germline): Uncertain significance (1 of 4 stars; one submission).

Conditions:
Brugada syndrome 8 (BRGDA8). Identifiers: Orphanet 130, MedGen C2751083, MONDO:0013148, OMIM 613123.

gnomAD v4.1: 1 of 1,591,336 alleles (0.000063%); highest among the groups gnomAD compares: Admixed American, 0.0018%; no homozygotes.

Submission:

Labcorp Genetics (formerly Invitae), Labcorp
Classification: Uncertain significance for Brugada syndrome 8. Last evaluated: 2025-06-11. Review status: criteria provided, single submitter. Criteria: Invitae Variant Classification Sherloc (09022015). Collection method: clinical testing. Allele origin: germline.
Comment: This sequence change replaces threonine, which is neutral and polar, with serine, which is neutral and polar, at codon 988 of the HCN4 protein (p.Thr988Ser). This variant is not present in population databases (gnomAD no frequency). This variant has not been reported in the literature in individuals affected with HCN4-related conditions. Invitae Evidence Modeling of protein sequence and biophysical properties (such as structural, functional, and spatial information, amino acid conservation, physicochemical variation, residue mobility, and thermodynamic stability) indicates that this missense variant is not expected to disrupt HCN4 protein function with a negative predictive value of 95%. In summary, the available evidence is currently insufficient to determine the role of this variant in disease. Therefore, it has been classified as a Variant of Uncertain Significance.